The following is an entry in ClinVar:

NM_007294.4(BRCA1):c.3274G>A (p.Glu1092Lys)

Genes: BRCA1 (BRCA1 DNA repair associated; minus strand), LOC126862571 (BRD4-independent group 4 enhancer GRCh37_chr17:41243136-41244335; plus strand). Cytogenetic location: 17q21.31.
Variant type: single nucleotide variant.
Coding change: c.3274G>A on transcript NM_007294.4 (MANE Select); coding-DNA position 3274, G replaced by A.
Protein change: p.Glu1092Lys; replaces glutamic acid 1092 with lysine.
Molecular consequence: missense variant. On other transcripts: intron variant (137).
Genome position (GRCh38, 1-based): chr17:43,092,257, C>T on the plus strand (G>A on the coding strand, the complement: BRCA1 is on the minus strand). VCF-style: chr17-43092257-C-T. GRCh37 (hg19) VCF-style: chr17-41244274-C-T.
Other names: c.3274G>A, p.Glu1092Lys (NM_001407642.1, NM_001407652.1, NM_001407684.1 and 30 more transcripts); c.3271G>A, p.Glu1091Lys (NM_001407644.1, NM_001407645.1, NM_001407860.1 and 22 more transcripts); c.3265G>A, p.Glu1089Lys (NM_001407646.1, NM_001407647.1); c.3151G>A, p.Glu1051Lys (NM_001407648.1, NM_001407664.1, NM_001407665.1 and 19 more transcripts); c.3148G>A, p.Glu1050Lys (NM_001407649.1, NM_001407670.1, NM_001407671.1 and 11 more transcripts); c.3196G>A, p.Glu1066Lys (NM_001407653.1, NM_001407654.1, NM_001407655.1 and 4 more transcripts); c.3193G>A, p.Glu1065Lys (NM_001407659.1, NM_001407660.1, NM_001407661.1 and 1 more transcripts); c.3133G>A, p.Glu1045Lys (NM_001407692.1, NM_001407694.1, NM_001407695.1 and 29 more transcripts); and 41 more; short protein forms E1092K, E1045K, E1021K, E1024K, E1091K, E1003K, E1022K, E1066K.
Identifiers: ClinVar variation 230059 (VCV000230059.17), dbSNP rs876658360, ClinGen allele CA10580570.

ClinVar aggregate classification (germline): Conflicting classifications of pathogenicity. Review status: criteria provided, conflicting classifications (1 of 4 stars). 3 submissions from 3 submitters: Uncertain significance (2); Likely benign (1). Last evaluated 2025-06-25.

Conditions:
Hereditary cancer-predisposing syndrome. Also called: Hereditary neoplastic syndrome; Hereditary Cancer Syndrome; Neoplastic Syndromes, Hereditary; Tumor predisposition. Identifiers: Orphanet 140162, MedGen C0027672, MeSH D009386, MONDO:0015356.
Hereditary breast ovarian cancer syndrome. Also called: Hereditary breast and ovarian cancer syndrome; Hereditary breast and ovarian cancer syndrome (HBOC); Breast and ovarian cancer; Hereditary breast and/or ovarian cancer syndrome; Hereditary breast and ovarian cancer; BRCA1- and BRCA2-Associated Hereditary Breast and Ovarian Cancer. Identifiers: Orphanet 145, MedGen C0677776, MeSH D061325, MONDO:0003582. Disease mechanism: loss of function.

Submissions (3):

Labcorp Genetics (formerly Invitae), Labcorp
Classification: Uncertain significance for Hereditary breast ovarian cancer syndrome. Last evaluated: 2025-06-25. Review status: criteria provided, single submitter. Criteria: Invitae Variant Classification Sherloc (09022015). Collection method: clinical testing. Allele origin: germline.
Comment: This sequence change replaces glutamic acid, which is acidic and polar, with lysine, which is basic and polar, at codon 1092 of the BRCA1 protein (p.Glu1092Lys). This variant is not present in population databases (gnomAD no frequency). This variant has not been reported in the literature in individuals affected with BRCA1-related conditions. ClinVar contains an entry for this variant (Variation ID: 230059). Invitae Evidence Modeling of protein sequence and biophysical properties (such as structural, functional, and spatial information, amino acid conservation, physicochemical variation, residue mobility, and thermodynamic stability) indicates that this missense variant is not expected to disrupt BRCA1 protein function with a negative predictive value of 80%. In summary, the available evidence is currently insufficient to determine the role of this variant in disease. Therefore, it has been classified as a Variant of Uncertain Significance.

University of Washington Department of Laboratory Medicine, University of Washington
Classification: Likely benign for Hereditary cancer-predisposing syndrome. Last evaluated: 2023-03-23. Review status: criteria provided, single submitter. Criteria: Dines et al. (Genet Med. 2020). Collection method: curation. Allele origin: germline.
Comment: Missense variant in a coldspot region where missense variants are very unlikely to be pathogenic (PMID:31911673).

BRCA1 coldspot (exon 11 using historical exon numbering). Reclassification based on statistical prior probability

Ambry Genetics
Classification: Uncertain significance for Hereditary cancer-predisposing syndrome. Last evaluated: 2015-01-15. Review status: criteria provided, single submitter. Criteria: Ambry Variant Classification Scheme 2023. Collection method: clinical testing. Allele origin: germline.
Comment: The p.E1092K variant (also known as c.3274G>A or 3393G>A), located in coding exon 9 of the BRCA1 gene, results from a G to A substitution at nucleotide position 3274. The glutamic acid at codon 1092 is replaced by lysine, an amino acid with similar properties. This variant was not reported in population based cohorts in the following databases: Database of Single Nucleotide Polymorphisms (dbSNP), NHLBI Exome Sequencing Project (ESP), and 1000 Genomes Project. In the ESP, this variant was not observed in 6503 samples (13006 alleles) with coverage of 6,503 at this position. To date, this alteration has been detected with an allele frequency of approximately 0.001% (greater than 105,000 alleles tested) in our clinical cohort. This amino acid position is not well conserved in available vertebrate species. In addition, the in silico prediction for this alteration is inconclusive. Since supporting evidence is limited at this time, the clinical significance of p.E1092K remains unclear.